The following is an entry in ClinVar:

NM_017780.4(CHD7):c.3205C>G (p.Arg1069Gly)

Gene: CHD7 (chromodomain helicase DNA binding protein 7; plus strand). Cytogenetic location: 8q12.2.
Variant type: single nucleotide variant.
Coding change: c.3205C>G on transcript NM_017780.4 (MANE Select); coding-DNA position 3205, C replaced by G.
Protein change: p.Arg1069Gly; replaces arginine 1069 with glycine.
Molecular consequence: missense variant. On other transcripts: intron variant (1).
Genome position (GRCh38, 1-based): chr8:60,823,843, C>G. VCF-style: chr8-60823843-C-G. GRCh37 (hg19) VCF-style: chr8-61736402-C-G.
Other names: c.1717-38386C>G (NM_001316690.1); short protein forms R1069G.
Identifiers: ClinVar variation 2631753 (VCV002631753.1), dbSNP rs886040985, ClinGen allele CA371311304.

ClinVar aggregate classification (germline): Uncertain significance (1 of 4 stars; one submission).

Conditions:
CHD7-related disorder. Also called: CHD7-related condition.

Allele frequency attached by ClinVar (database versions not stated): gnomAD exomes below 0.00001.
gnomAD v4.1: 1 of 1,612,784 alleles (0.000062%); highest among the groups gnomAD compares: Non-Finnish European, 0.000085%; no homozygotes.

Submission:

PreventionGenetics, part of Exact Sciences
Classification: Uncertain significance for CHD7-related condition. Last evaluated: 2023-06-30. Review status: criteria provided, single submitter. Criteria: ACMG Guidelines, 2015. Collection method: clinical testing. Allele origin: germline.
Comment: The CHD7 c.3205C>G variant is predicted to result in the amino acid substitution p.Arg1069Gly. To our knowledge, this variant has not been reported in the literature or in a large population database, indicating this variant is rare. At this time, the clinical significance of this variant is uncertain due to the absence of conclusive functional and genetic evidence.